The following is an entry in ClinVar:

ClinVar aggregate classification (germline): Uncertain significance (1 of 4 stars; one submission).

Conditions:
Megalencephaly-polymicrogyria-postaxial polydactyly-hydrocephalus syndrome. Also called: MPPH Syndrome; MEG-PMG-MEGACC SYNDROME. Identifiers: Orphanet 83473, MedGen C1863924, MONDO:0019375.

gnomAD v4.1: 14 of 1,328,858 alleles (0.0011%); highest among the groups gnomAD compares: Middle Eastern, 0.084%; no homozygotes.

Submission:

Labcorp Genetics (formerly Invitae), Labcorp
Classification: Uncertain significance for Megalencephaly-polymicrogyria-postaxial polydactyly-hydrocephalus syndrome. Last evaluated: 2024-04-18. Review status: criteria provided, single submitter. Criteria: Invitae Variant Classification Sherloc (09022015). Collection method: clinical testing. Allele origin: germline.
Comment: This sequence change replaces alanine, which is neutral and non-polar, with threonine, which is neutral and polar, at codon 219 of the PIK3R2 protein (p.Ala219Thr). This variant is not present in population databases (gnomAD no frequency). This variant has not been reported in the literature in individuals affected with PIK3R2-related conditions. Advanced modeling of protein sequence and biophysical properties (such as structural, functional, and spatial information, amino acid conservation, physicochemical variation, residue mobility, and thermodynamic stability) performed at Invitae indicates that this missense variant is not expected to disrupt PIK3R2 protein function with a negative predictive value of 95%. In summary, the available evidence is currently insufficient to determine the role of this variant in disease. Therefore, it has been classified as a Variant of Uncertain Significance.

NM_005027.4(PIK3R2):c.655G>A (p.Ala219Thr)

Genes: PIK3R2 (phosphoinositide-3-kinase regulatory subunit 2; plus strand), LOC130063979 (ATAC-STARR-seq lymphoblastoid silent region 10375; plus strand). Cytogenetic location: 19p13.11.
Variant type: single nucleotide variant.
Coding change: c.655G>A on transcript NM_005027.4 (MANE Select); coding-DNA position 655, G replaced by A.
Protein change: p.Ala219Thr; replaces alanine 219 with threonine.
Molecular consequence: missense variant. On other transcripts: non-coding transcript variant (1).
Genome position (GRCh38, 1-based): chr19:18,161,335, G>A. VCF-style: chr19-18161335-G-A. GRCh37 (hg19) VCF-style: chr19-18272145-G-A.
Other names: short protein forms A219T.
Identifiers: ClinVar variation 3718370 (VCV003718370.2).